The following is an entry in ClinVar:

NM_004360.5(CDH1):c.2359G>A (p.Val787Ile)

Gene: CDH1 (cadherin 1; plus strand). Cytogenetic location: 16q22.1.
Variant type: single nucleotide variant.
Coding change: c.2359G>A on transcript NM_004360.5 (MANE Select); coding-DNA position 2359, G replaced by A.
Protein change: p.Val787Ile; replaces valine 787 with isoleucine.
Molecular consequence: missense variant.
Genome position (GRCh38, 1-based): chr16:68,829,717, G>A. VCF-style: chr16-68829717-G-A. GRCh37 (hg19) VCF-style: chr16-68863620-G-A.
Other names: c.2359G>A (LRG_301t1); c.2176G>A, p.Val726Ile (NM_001317184.2); c.811G>A, p.Val271Ile (NM_001317185.2); c.394G>A, p.Val132Ile (NM_001317186.2); short protein forms V787I, V726I, V271I, V132I.
Identifiers: ClinVar variation 186394 (VCV000186394.31), dbSNP rs766270336, ClinGen allele CA194701.

ClinVar aggregate classification (germline): Conflicting classifications of pathogenicity. Review status: criteria provided, conflicting classifications (1 of 4 stars). 13 submissions from 13 submitters: Uncertain significance (10); Likely benign (1). 2 of the submissions do not count toward it. Last evaluated 2025-11-17.

Conditions:
CDH1-related disorder. Also called: CDH1-related condition.
Hereditary cancer-predisposing syndrome. Also called: Neoplastic Syndromes, Hereditary; Tumor predisposition; Hereditary neoplastic syndrome; Hereditary Cancer Syndrome. Identifiers: Orphanet 140162, MedGen C0027672, MeSH D009386, MONDO:0015356.
Hereditary diffuse gastric adenocarcinoma (HDGC). Also called: DIFFUSE GASTRIC AND LOBULAR BREAST CANCER SYNDROME. Identifiers: Orphanet 26106, MedGen C1708349, MONDO:0007648, OMIM 137215.
Familial cancer of breast. Also called: Hereditary breast cancer; BREAST CANCER, FAMILIAL; hereditary breast carcinoma. Identifiers: Orphanet 227535, MedGen C0346153, MONDO:0016419, OMIM 114480. Disease mechanism: loss of function.
Malignant tumor of breast. Also called: Malignant breast neoplasm; Cancer breast. Identifiers: MedGen C0006142, MONDO:0007254. Disease mechanism: loss of function.

Allele frequency attached by ClinVar (database versions not stated): gnomAD exomes 0.00001 and 0.00002; ExAC 0.00002; gnomAD 0.00002; TOPMed 0.00003.
gnomAD v4.1: 13 of 1,613,922 alleles (0.00081%); highest among the groups gnomAD compares: Middle Eastern, 0.016%; no homozygotes.

Submissions (13):

Labcorp Genetics (formerly Invitae), Labcorp
Classification: Uncertain significance for Hereditary diffuse gastric adenocarcinoma. Last evaluated: 2025-11-17. Review status: criteria provided, single submitter. Criteria: Invitae Variant Classification Sherloc (09022015). Collection method: clinical testing. Allele origin: germline.
Comment: This sequence change replaces valine, which is neutral and non-polar, with isoleucine, which is neutral and non-polar, at codon 787 of the CDH1 protein (p.Val787Ile). This variant is present in population databases (rs766270336, gnomAD 0.009%). This missense change has been observed in individual(s) with breast cancer and/or colorectal cancer (PMID: 29263802, 32283892). ClinVar contains an entry for this variant (Variation ID: 186394). An algorithm developed to predict the effect of missense changes on protein structure and function (PolyPhen-2) suggests that this variant is likely to be disruptive. In summary, the available evidence is currently insufficient to determine the role of this variant in disease. Therefore, it has been classified as a Variant of Uncertain Significance.

Quest Diagnostics Nichols Institute San Juan Capistrano
Classification: Uncertain significance. Last evaluated: 2025-08-04. Review status: criteria provided, single submitter. Criteria: Quest Diagnostics criteria. Collection method: clinical testing. Allele origin: unknown.
Comment: The CDH1 c.2359G>A (p.Val787Ile) variant has been reported in the published literature in individuals with colorectal cancer (PMIDs: 32658311 (2021), 32283892 (2020)), breast cancer (PMID: 29263802 (2016)), and in reportedly unaffected individuals (PMID: 33471991 (2021), see also LOVD). The frequency of this variant in the general population (Genome Aggregation Database) is higher than would generally be expected for pathogenic variants in this gene. Analysis of this variant using bioinformatics tools for the prediction of the effect of amino acid changes on protein structure and function yielded predictions that this variant is damaging. Based on the available information, we are unable to determine the clinical significance of this variant.

PreventionGenetics, part of Exact Sciences
Classification: Uncertain significance for CDH1-related condition. Last evaluated: 2025-06-23. Review status: criteria provided, single submitter. Criteria: ACMG Guidelines, 2015. Collection method: clinical testing. Allele origin: germline.
Comment: The CDH1 c.2359G>A variant is predicted to result in the amino acid substitution p.Val787Ile. This variant was reported in an individual with a personal and family history of breast cancer (Table 2, Wong et al. 2016. PubMed ID: 29263802) and an individual with colorectal cancer (Table 3, Erdem et al. 2020. PubMed ID: 32283892). This variant is reported in 0.0087% of alleles in individuals of Latino descent in gnomAD and has conflicting interpretations of pathogenicity in ClinVar ranging from uncertain to likely benign. At this time, the clinical significance of this variant is uncertain due to the absence of conclusive functional and genetic evidence.

Center for Genomic Medicine, Rigshospitalet, Copenhagen University Hospital
Classification: Uncertain significance. Last evaluated: 2025-03-04. Review status: criteria provided, single submitter. Criteria: ACMG Guidelines, 2015. Collection method: clinical testing. Allele origin: germline.

GeneDx
Classification: Uncertain significance. Last evaluated: 2024-09-17. Review status: criteria provided, single submitter. Criteria: GeneDx Variant Classification Process June 2021. Collection method: clinical testing. Allele origin: germline. Affected: yes.
Comment: Not observed at significant frequency in large population cohorts (gnomAD); In silico analysis supports that this missense variant does not alter protein structure/function; This variant is associated with the following publications: (PMID: 29263802, 32283892, 32658311, 22850631, 15235021)

Women's Health and Genetics/Laboratory Corporation of America, LabCorp
Classification: Uncertain significance. Last evaluated: 2024-08-12. Review status: criteria provided, single submitter. Criteria: LabCorp Variant Classification Summary - May 2015. Collection method: clinical testing. Allele origin: germline.
Comment: Variant summary: CDH1 c.2359G>A (p.Val787Ile) results in a conservative amino acid change in the encoded protein sequence. Three of five in-silico tools predict a benign effect of the variant on protein function. The variant allele was found at a frequency of 2e-05 in 251458 control chromosomes (gnomAD). The available data on variant occurrences in the general population are insufficient to allow any conclusion about variant significance. c.2359G>A has been reported in the literature in individuals affected with Breast Cancer or Colorectal Cancer without strong evidence of causality (e.g. Wong_2016, Wedem_2020, Akcay_2021). These reports do not provide unequivocal conclusions about association of the variant with Breast Cancer. To our knowledge, no experimental evidence demonstrating an impact on protein function has been reported. The following publications have been ascertained in the context of this evaluation (PMID: 29263802, 32283892, 32658311). ClinVar contains an entry for this variant (Variation ID: 186394). Based on the evidence outlined above, the variant was classified as uncertain significance.

Baylor Genetics
Classification: Uncertain significance for Familial cancer of breast. Last evaluated: 2024-03-27. Review status: criteria provided, single submitter. Criteria: ACMG Guidelines, 2015. Collection method: clinical testing. Allele origin: unknown.

Myriad Genetics, Inc.
Classification: Uncertain significance for Hereditary diffuse gastric adenocarcinoma. Last evaluated: 2023-03-03. Review status: criteria provided, single submitter. Criteria: Myriad Autosomal Dominant, Autosomal Recessive and X-Linked Classification Criteria (2023). Collection method: clinical testing. Allele origin: unknown.
Comment: This variant is classified as a variant of uncertain significance as there is insufficient evidence to determine its impact on protein function and/or cancer risk.

Ambry Genetics
Classification: Likely benign for Hereditary cancer-predisposing syndrome. Last evaluated: 2022-08-15. Review status: criteria provided, single submitter. Criteria: Ambry Variant Classification Scheme 2023. Collection method: clinical testing. Allele origin: germline.

Color Diagnostics, LLC DBA Color Health
Classification: Uncertain significance for Hereditary cancer-predisposing syndrome. Last evaluated: 2020-06-22. Review status: criteria provided, single submitter. Criteria: ACMG Guidelines, 2015. Collection method: clinical testing. Allele origin: germline.
Comment: This missense variant replaces valine with isoleucine at codon 787 of the CDH1 protein. To our knowledge, functional studies have not been reported for this variant. This variant has been reported in an individual affected with breast cancer in the literature (PMID: 29263802). This variant has been identified in 5/251458 chromosomes in the general population by the Genome Aggregation Database (gnomAD). The available evidence is insufficient to determine the role of this variant in disease conclusively. Therefore, this variant is classified as a Variant of Uncertain Significance.

Mendelics
Classification: Uncertain significance for Hereditary diffuse gastric adenocarcinoma. Last evaluated: 2019-05-28. Review status: criteria provided, single submitter. Criteria: Mendelics Assertion Criteria 2017. Collection method: clinical testing. Allele origin: unknown.

Counsyl
Classification: Uncertain significance for Hereditary diffuse gastric adenocarcinoma. Last evaluated: 2018-01-10. Review status: no assertion criteria provided. Collection method: clinical testing. Allele origin: unknown. Not counted in ClinVar's aggregate classification.

Department of Pathology and Laboratory Medicine, Sinai Health System
Classification: Uncertain significance for Malignant tumor of breast. Review status: no assertion criteria provided. Collection method: clinical testing. Allele origin: unknown. Affected: yes. Study: The Canadian Open Genetics Repository (COGR). Not counted in ClinVar's aggregate classification.
Comment: The CDH1 p.Val787Ile variant was identified in 1 of 440 proband chromosomes (frequency: 0.002) from individuals or families with breast or ovarian cancer (Wong 2016 PMID: 29263802). The variant was also identified in dbSNP (ID: rs766270336 as With Uncertain significance allele) and ClinVar (2x as a variant of uncertain significance). The variant was not identified in the literature nor was it identified in the Cosmic, MutDB, or Zhejiang University Database. The variant was identified in control databases in 5 of 246242 chromosomes at a frequency of 0.00002 (Genome Aggregation Database Feb 27, 2017). Breakdown of the observations by population include African in 1 of 15302 chromosomes (freq: 0.00007), Latino in 3 of 33582 chromosomes (freq: 0.00009), European Non-Finnish in 1 of 111704 chromosomes (freq: 0.000009), while the variant was not observed in the Other, Ashkenazi Jewish, East Asian, Finnish, and South Asian populations. The p.Val787 residue is conserved in mammals and computational analyses (PolyPhen-2, SIFT, AlignGVGD, BLOSUM, MutationTaster) provide inconsistent predictions regarding the impact to the protein; this information is not reliably predictive of pathogenicity. The variant occurs outside of the splicing consensus sequence and in silico or computational prediction software programs (SpliceSiteFinder, MaxEntScan, NNSPLICE, GeneSplicer, HumanSpliceFinder) do not predict a difference in splicing. In summary, based on the above information the clinical significance of this variant cannot be determined with certainty at this time. This variant is classified as a variant of uncertain significance.

Literature cited by the submitters: PubMed 29263802 (cited by 5 submitters); PubMed 32283892 (cited by 4 submitters); PubMed 33471991 (cited by Quest Diagnostics Nichols Institute San Juan Capistrano); PubMed 32658311 (cited by 3 submitters).